The following is an entry in ClinVar:

ClinVar aggregate classification (germline): Pathogenic. Review status: criteria provided, multiple submitters, no conflicts (2 of 4 stars). 2 submissions from 2 submitters: Pathogenic (2). Last evaluated 2025-09-08.

Conditions:
Joubert syndrome 36 (JBTS36). Identifiers: MedGen C5231493, MONDO:0032902, OMIM 618763.

Submissions (2):

Department of Medical Genetics, International Peace Maternity and Child Health Hospital, Shanghai Jiao Tong University School of Medicine
Classification: Pathogenic for Joubert syndrome 36. Last evaluated: 2025-09-08. Review status: criteria provided, single submitter. Criteria: ACMG Guidelines, 2015. Collection method: clinical testing. Allele origin: maternal. Affected: yes. Observed: 1 variant allele.
Comment: Both variants were previously unreported, and were not included in any public database. Therefore, the p.Tyr93* nonsense variant was classified as likely pathogenic (PVS1+ PM2_supporting), while the p.Ser192Phefs*7 frameshift variant was classified as pathogenic (PVS1+ PM2_supporting+ PM3).

Juno Genomics, Hangzhou Juno Genomics, Inc
Classification: Pathogenic for Joubert syndrome 36. Review status: criteria provided, single submitter. Criteria: ACMG Guidelines, 2015. Collection method: clinical testing. Allele origin: germline.
Comment: Absent from controls (or at extremely low frequency if recessive) in Genome Aggregation Database.;Null variant in a gene where loss of function (LOF) is a known mechanism of disease.;For recessive disorders, detected in trans with a pathogenic variant.

NM_173348.2(FAM149B1):c.574dup (p.Ser192fs)

Gene: FAM149B1 (family with sequence similarity 149 member B1; plus strand). Cytogenetic location: 10q22.2.
Variant type: Duplication.
Coding change: c.574dup on transcript NM_173348.2 (MANE Select); coding-DNA position 574, one base duplicated (T; older notation c.574dupT).
Protein change: p.Ser192fs; shifts the reading frame from serine 192.
Molecular consequence: frameshift variant.
Genome position (GRCh38, 1-based): chr10:73,208,650, T duplicated; the last of 5 consecutive T bases (chr10:73,208,646-73,208,650); duplicating any one gives the same sequence. VCF-style (leftmost placement, unchanged base first): chr10-73208645-A-AT. GRCh37 (hg19) VCF-style: chr10-74968403-A-AT.
Other names: short protein forms S192fs.
Identifiers: ClinVar variation 4291085 (VCV004291085.3).